The following is an entry in ClinVar:

ClinVar aggregate classification (germline): Uncertain significance (1 of 4 stars; one submission).

Conditions:
Familial thoracic aortic aneurysm and aortic dissection (TAAD). Also called: Thoracic aortic aneurysms and dissections. Identifiers: Orphanet 91387, MedGen C4707243, MONDO:0019625.

Submission:

Labcorp Genetics (formerly Invitae), Labcorp
Classification: Uncertain significance for Familial thoracic aortic aneurysm and aortic dissection. Last evaluated: 2024-04-29. Review status: criteria provided, single submitter. Criteria: Invitae Variant Classification Sherloc (09022015). Collection method: clinical testing. Allele origin: germline.
Comment: This sequence change replaces aspartic acid, which is acidic and polar, with glycine, which is neutral and non-polar, at codon 141 of the TGFBR2 protein (p.Asp141Gly). This variant is not present in population databases (gnomAD no frequency). This variant has not been reported in the literature in individuals affected with TGFBR2-related conditions. Advanced modeling of protein sequence and biophysical properties (such as structural, functional, and spatial information, amino acid conservation, physicochemical variation, residue mobility, and thermodynamic stability) performed at Invitae indicates that this missense variant is not expected to disrupt TGFBR2 protein function with a negative predictive value of 95%. In summary, the available evidence is currently insufficient to determine the role of this variant in disease. Therefore, it has been classified as a Variant of Uncertain Significance.

NM_003242.6(TGFBR2):c.422A>G (p.Asp141Gly)

Gene: TGFBR2 (transforming growth factor beta receptor 2; plus strand). Cytogenetic location: 3p24.1.
Variant type: single nucleotide variant.
Coding change: c.422A>G on transcript NM_003242.6 (MANE Select); coding-DNA position 422, A replaced by G.
Protein change: p.Asp141Gly; replaces aspartic acid 141 with glycine.
Molecular consequence: missense variant. On other transcripts: intron variant (2).
Genome position (GRCh38, 1-based): chr3:30,650,428, A>G. VCF-style: chr3-30650428-A-G. GRCh37 (hg19) VCF-style: chr3-30691920-A-G.
Other names: c.497A>G, p.Asp166Gly (NM_001024847.3, NM_001407126.1, NM_001407139.1); c.422A>G, p.Asp141Gly (NM_001407127.1, NM_001407130.1); c.449A>G, p.Asp150Gly (NM_001407128.1); c.317A>G, p.Asp106Gly (NM_001407129.1, NM_001407132.1, NM_001407133.1 and 3 more transcripts); c.170-21210A>G (NM_001407137.1); c.95-21210A>G (NM_001407138.1); short protein forms D106G, D141G, D150G, D166G.
Identifiers: ClinVar variation 3612239 (VCV003612239.2).
Genomic context (GRCh38, chr3:30,650,428, plus strand): 5'-GCATTATGAAGGAAAAAAAAAAGCCTGGTGAGACTTTCTTCATGTGTTCCTGTAGCTCTG[A>G]TGAGTGCAATGACAACATCATCTTCTCAGAAGGTGAGTTTTCTTCTCTTAAGGGTGTGGG-3'
Protein context (NP_003233.4, residues 131-151): ETFFMCSCSS[Asp141Gly]ECNDNIIFSE